The following is an entry in ClinVar:

NM_024675.4(PALB2):c.1623G>A (p.Arg541=)

Gene: PALB2 (partner and localizer of BRCA2; minus strand). Cytogenetic location: 16p12.2.
Variant type: single nucleotide variant.
Coding change: c.1623G>A on transcript NM_024675.4 (MANE Select); coding-DNA position 1623, G replaced by A.
Protein change: p.Arg541=; no amino-acid change (arginine 541 retained).
Molecular consequence: synonymous variant.
Genome position (GRCh38, 1-based): chr16:23,634,923, C>T on the plus strand (G>A on the coding strand, the complement: PALB2 is on the minus strand). VCF-style: chr16-23634923-C-T. GRCh37 (hg19) VCF-style: chr16-23646244-C-T.
Identifiers: ClinVar variation 183745 (VCV000183745.35), dbSNP rs745665968, ClinGen allele CA186298.

ClinVar aggregate classification (germline): Benign/Likely benign. Review status: criteria provided, multiple submitters, no conflicts (2 of 4 stars). 14 submissions from 14 submitters: Benign (3); Likely benign (9). 2 of the submissions do not count toward it. Last evaluated 2026-04-01.

Conditions:
Hereditary cancer-predisposing syndrome. Also called: Tumor predisposition; Neoplastic Syndromes, Hereditary; Hereditary Cancer Syndrome; Hereditary neoplastic syndrome. Identifiers: Orphanet 140162, MedGen C0027672, MeSH D009386, MONDO:0015356.
Familial cancer of breast. Also called: hereditary breast carcinoma; BREAST CANCER, FAMILIAL; Hereditary breast cancer. Identifiers: Orphanet 227535, MedGen C0346153, MONDO:0016419, OMIM 114480. Disease mechanism: loss of function.

Allele frequency attached by ClinVar (database versions not stated): gnomAD 0.00008 and 0.00009; TOPMed 0.00015; ExAC 0.00002; gnomAD exomes 0.00002.
gnomAD v4.1: 73 of 1,614,012 alleles (0.0045%); highest among the groups gnomAD compares: African/African-American, 0.0053%; no homozygotes.

Submissions (14):

CeGaT Center for Human Genetics Tuebingen
Classification: Likely benign. Last evaluated: 2026-04-01. Review status: criteria provided, single submitter. Criteria: CeGaT Center For Human Genetics Tuebingen Variant Classification Criteria Version 2. Collection method: clinical testing. Allele origin: germline. Affected: yes. Observed: 2 variant alleles.
Comment: PALB2: BP4, BP7

Labcorp Genetics (formerly Invitae), Labcorp
Classification: Likely benign for Familial cancer of breast. Last evaluated: 2026-02-01. Review status: criteria provided, single submitter. Criteria: Invitae Variant Classification Sherloc (09022015). Collection method: clinical testing. Allele origin: germline.

Molecular Diagnostics Laboratory, Catalan Institute of Oncology
Classification: Likely benign for Hereditary cancer-predisposing syndrome. Last evaluated: 2025-03-19. Review status: criteria provided, single submitter. Criteria: ClinGen ACMG Specifications PALB2 V1.0.0. Collection method: clinical testing. Allele origin: germline.
Comment: BP4, BP7 c.1623G>A, located in exon 4 of the PALB2 gene, is predicted to result in no splicing alteration (according to SpliceAI) and no amino acid change, p.(Arg541=) (BP4, BP7). This variant is found in 7/268324 alleles at a frequency of 0.0026% in the gnomAD v2.1.1 database, non-cancer dataset. To our knowledge, neither relevant clinical data nor well-stablished functional studies have been reported for this variant. Moreover, it has been reported in the ClinVar database (3x benign, 8x likely benign) but no in the LOVD database. Based on the currently available information, c.1623G>A is classified as a likely benign variant according to ClinGen-PALB2 Guidelines version 1.1.

Blueprint Genetics
Classification: Likely benign. Last evaluated: 2023-09-18. Review status: criteria provided, single submitter. Criteria: ACMG Guidelines, 2015. Collection method: clinical testing. Allele origin: germline.

Myriad Genetics, Inc.
Classification: Benign for Familial cancer of breast. Last evaluated: 2023-03-30. Review status: criteria provided, single submitter. Criteria: Myriad Autosomal Dominant, Autosomal Recessive and X-Linked Classification Criteria (2023). Collection method: clinical testing. Allele origin: unknown.
Comment: This variant is considered benign. This variant is a silent/synonymous amino acid change and it is not expected to impact splicing.

Quest Diagnostics Nichols Institute San Juan Capistrano
Classification: Likely benign. Last evaluated: 2022-02-28. Review status: criteria provided, single submitter. Criteria: Quest Diagnostics criteria. Collection method: clinical testing. Allele origin: unknown.

Sema4
Classification: Likely benign for Hereditary cancer-predisposing syndrome. Last evaluated: 2022-02-16. Review status: criteria provided, single submitter. Criteria: Sema4 Curation Guidelines. Collection method: curation. Allele origin: germline.

Women's Health and Genetics/Laboratory Corporation of America, LabCorp
Classification: Likely benign. Last evaluated: 2020-01-31. Review status: criteria provided, single submitter. Criteria: LabCorp Variant Classification Summary - May 2015. Collection method: clinical testing. Allele origin: germline.

Color Diagnostics, LLC DBA Color Health
Classification: Benign for Hereditary cancer-predisposing syndrome. Last evaluated: 2016-04-27. Review status: criteria provided, single submitter. Criteria: ACMG Guidelines, 2015. Collection method: clinical testing. Allele origin: germline.

Cancer Genetics Laboratory, Peter MacCallum Cancer Centre
Classification: Likely benign for Familial cancer of breast. Last evaluated: 2015-06-01. Review status: criteria provided, single submitter. Criteria: Thompson et al. (Breast Cancer Res. 2015). Collection method: case-control. Allele origin: germline. Affected: yes and no. Observed: 3 variant alleles, 3 heterozygotes.

GeneDx
Classification: Benign. Last evaluated: 2015-03-03. Review status: criteria provided, single submitter. Criteria: GeneDx Variant Classification Process June 2021. Collection method: clinical testing. Allele origin: germline. Affected: yes.

Ambry Genetics
Classification: Likely benign for Hereditary cancer-predisposing syndrome. Last evaluated: 2014-10-25. Review status: criteria provided, single submitter. Criteria: Ambry Variant Classification Scheme 2023. Collection method: clinical testing. Allele origin: germline.

True Health Diagnostics
Classification: Likely benign for Hereditary cancer-predisposing syndrome. Last evaluated: 2017-08-22. Review status: no assertion criteria provided. Collection method: clinical testing. Allele origin: germline. Not counted in ClinVar's aggregate classification.

Counsyl
Classification: Likely benign for Familial cancer of breast. Last evaluated: 2016-08-16. Review status: no assertion criteria provided. Collection method: clinical testing. Allele origin: unknown. Not counted in ClinVar's aggregate classification.

Literature cited by the submitters: PubMed 26283626 (cited by 3 submitters).